The following is an entry in ClinVar:

NM_000135.4(FANCA):c.1470G>C (p.Gln490His)

Gene: FANCA (FA complementation group A; minus strand). Cytogenetic location: 16q24.3.
Variant type: single nucleotide variant.
Coding change: c.1470G>C on transcript NM_000135.4 (MANE Select); coding-DNA position 1470, G replaced by C.
Protein change: p.Gln490His; replaces glutamine 490 with histidine.
Molecular consequence: missense variant.
Genome position (GRCh38, 1-based): chr16:89,784,854, C>G on the plus strand (G>C on the coding strand, the complement: FANCA is on the minus strand). VCF-style: chr16-89784854-C-G. GRCh37 (hg19) VCF-style: chr16-89851262-C-G.
Other names: c.1470G>C, p.Gln490His (NM_001286167.3); short protein forms Q490H.
Identifiers: ClinVar variation 861619 (VCV000861619.6), dbSNP rs2039844218, ClinGen allele CA397459570.

ClinVar aggregate classification (germline): Uncertain significance (1 of 4 stars; one submission).

Conditions:
Fanconi anemia (FA). Also called: Fanconi's anemia. Identifiers: Orphanet 84, MedGen C0015625, MeSH D005199, MONDO:0019391.

Allele frequency attached by ClinVar (database versions not stated): gnomAD exomes below 0.00001.
gnomAD v4.1: 2 of 1,611,198 alleles (0.00012%); highest among the groups gnomAD compares: Non-Finnish European, 0.00017%; no homozygotes.

Submission:

Labcorp Genetics (formerly Invitae), Labcorp
Classification: Uncertain significance for Fanconi anemia. Last evaluated: 2021-09-01. Review status: criteria provided, single submitter. Criteria: Invitae Variant Classification Sherloc (09022015). Collection method: clinical testing. Allele origin: germline.
Comment: This sequence change replaces glutamine with histidine at codon 490 of the FANCA protein (p.Gln490His). The glutamine residue is weakly conserved and there is a small physicochemical difference between glutamine and histidine. This variant also falls at the last nucleotide of exon 15, which is part of the consensus splice site for this exon. This variant is not present in population databases (ExAC no frequency). This missense change has been observed in individual(s) with clinical features of Fanconi anemia (Invitae). In at least one individual the data is consistent with the variant being in trans (on the opposite chromosome) from a pathogenic variant. Algorithms developed to predict the effect of missense changes on protein structure and function are either unavailable or do not agree on the potential impact of this missense change (SIFT: "Deleterious"; PolyPhen-2: "Benign"; Align-GVGD: "Class C0"). Variants that disrupt the consensus splice site are a relatively common cause of aberrant splicing (PMID: 17576681, 9536098). Algorithms developed to predict the effect of sequence changes on RNA splicing suggest that this variant may disrupt the consensus splice site. In summary, the available evidence is currently insufficient to determine the role of this variant in disease. Therefore, it has been classified as a Variant of Uncertain Significance.

Literature cited by the submitters: PubMed 17576681; PubMed 9536098.